The following is an entry in ClinVar:

ClinVar aggregate classification (germline): Conflicting classifications of pathogenicity. Review status: criteria provided, conflicting classifications (1 of 4 stars). 5 submissions from 5 submitters: Uncertain significance (3); Likely benign (1). 1 of the submissions does not count toward it. Last evaluated 2021-05-18.

Conditions:
Very long chain acyl-CoA dehydrogenase deficiency (ACADVLD). Also called: Very Long-Chain Acyl-Coenzyme A Dehydrogenase Deficiency; VLCAD Deficiency. Identifiers: Orphanet 26793, MedGen C3887523, MONDO:0008723, OMIM 201475.
ACADVL-related disorder. Also called: ACADVL-related condition.

Allele frequency attached by ClinVar (database versions not stated): gnomAD exomes 0.00254 and 0.00443; 1000 Genomes Project 30x 0.00047; TOPMed 0.00165; ESP Exome Variant Server 0.00171; ExAC 0.00412; gnomAD 0.00243.
gnomAD v4.1: 3,891 of 936,354 alleles (0.42%); highest among the groups gnomAD compares: Non-Finnish European, 0.57%; 8 homozygotes.

Submissions (5):

Genome-Nilou Lab
Classification: Uncertain significance for Very long chain acyl-CoA dehydrogenase deficiency. Last evaluated: 2021-05-18. Review status: criteria provided, single submitter. Criteria: ACMG Guidelines, 2015. Collection method: clinical testing. Allele origin: germline. Affected: no.

Wong Mito Lab, Molecular and Human Genetics, Baylor College of Medicine
Classification: Uncertain significance for Very long chain acyl-CoA dehydrogenase deficiency. Last evaluated: 2019-11-01. Review status: criteria provided, single submitter. Criteria: ACMG Guidelines, 2015. Collection method: clinical testing. Allele origin: germline.
Comment: The NM_000018.3:c.-36A>G (NP_000009.1:p.?) [GRCH38: NC_000017.11:g.7219949A>G] variant in ACADVL gene is interpretated to be Uncertain Significance based on ACMG guidelines (PMID: 25741868). This variant has been reported. This variant dose not meet any evidence codes reported in the ACMG guidelines.

Illumina Laboratory Services, Illumina
Classification: Uncertain significance for Very long chain acyl-CoA dehydrogenase deficiency. Last evaluated: 2018-01-12. Review status: criteria provided, single submitter. Criteria: ICSL Variant Classification Criteria 13 December 2019. Collection method: clinical testing. Allele origin: germline.

GeneDx
Classification: Likely benign. Last evaluated: 2017-09-06. Review status: criteria provided, single submitter. Criteria: GeneDx Variant Classification (06012015). Collection method: clinical testing. Allele origin: germline. Affected: yes.
Comment: This variant is considered likely benign or benign based on one or more of the following criteria: it is a conservative change, it occurs at a poorly conserved position in the protein, it is predicted to be benign by multiple in silico algorithms, and/or has population frequency not consistent with disease.

PreventionGenetics, part of Exact Sciences
Classification: Likely benign for ACADVL-related condition. Last evaluated: 2021-05-04. Review status: no assertion criteria provided. Collection method: clinical testing. Allele origin: germline. Not counted in ClinVar's aggregate classification.
Comment: This variant is classified as likely benign based on ACMG/AMP sequence variant interpretation guidelines (Richards et al. 2015 PMID: 25741868, with internal and published modifications).

NM_000018.4(ACADVL):c.-36A>G

Genes: ACADVL (acyl-CoA dehydrogenase very long chain; plus strand), DLG4 (discs large MAGUK scaffold protein 4; minus strand). Cytogenetic location: 17p13.1.
Variant type: single nucleotide variant.
Coding change: c.-36A>G on transcript NM_000018.4 (MANE Select); 36 bases upstream of the start codon, A replaced by G.
Molecular consequence: 5 prime UTR variant. On other transcripts: non-coding transcript variant (1), intron variant (1).
Genome position (GRCh38, 1-based): chr17:7,219,949, A>G. VCF-style: chr17-7219949-A-G. GRCh37 (hg19) VCF-style: chr17-7123268-A-G.
Other names: c.132-173A>G (NM_001270447.1, NM_001270447.2); c.-1100T>C (NM_001321074.1); c.-36A>G (NM_001033859.3); c.-339A>G (NM_001270448.2).
Identifiers: ClinVar variation 324981 (VCV000324981.14), dbSNP rs372592554, ClinGen allele CA8337501.
Genomic context (GRCh38, chr17:7,219,949, plus strand): 5'-GACGATGAGTCAGGGTTAGGGGCGCCAGGACGTGGGCGTGCAGGACGCCAGAGCTGGGTC[A>G]GAGCTCGAGCCAGCGGCGCCCGGAGAGATTCGGAGATGCAGGCGGCTCGGATGGCCGCGA-3'